The following is an entry in ClinVar:

ClinVar aggregate classification (germline): Uncertain significance (1 of 4 stars; one submission).

Submission:

Labcorp Genetics (formerly Invitae), Labcorp
Classification: Uncertain significance. Last evaluated: 2023-12-21. Review status: criteria provided, single submitter. Criteria: Invitae Variant Classification Sherloc (09022015). Collection method: clinical testing. Allele origin: germline.
Comment: This variant, c.789_794del, results in the deletion of 2 amino acid(s) of the SALL2 protein (p.Ser264_Ser265del), but otherwise preserves the integrity of the reading frame. This variant is present in population databases (rs749074626, gnomAD 0.05%). This variant has not been reported in the literature in individuals affected with SALL2-related conditions. Experimental studies and prediction algorithms are not available or were not evaluated, and the functional significance of this variant is currently unknown. In summary, the available evidence is currently insufficient to determine the role of this variant in disease. Therefore, it has been classified as a Variant of Uncertain Significance.

NM_001364564.1(SALL2):c.777CTCTTC[1] (p.Ser262_Ser263del)

Gene: SALL2 (spalt like transcription factor 2; minus strand). Cytogenetic location: 14q11.2.
Variant type: Microsatellite.
Coding change: c.777CTCTTC[1] on transcript NM_001364564.1 (MANE Select); one copy of the 6-base unit CTCTTC starting at c.777; the reference has two copies in a row; one copy, 6 bases deleted.
Protein change: p.Ser262_Ser263del.
Molecular consequence: inframe deletion. On other transcripts: intron variant (2).
Genome position (GRCh38, 1-based): chr14:21,524,934-21,524,939, GAAGAG deleted on the plus strand (CTCTTC on the coding strand, the reverse complement: SALL2 is on the minus strand); deleting any 6 consecutive bases within chr14:21,524,934-21,524,947 gives the same sequence; the position shown is the placement nearest the transcript's 3' end. VCF-style (leftmost placement, unchanged base first): chr14-21524933-TGAAGAG-T. GRCh37 (hg19) VCF-style: chr14-21993067-TGAAGAG-T.
Other names: c.783CTCTTC[1], p.Ser264_Ser265del (NM_005407.3); c.392-8_392-3del (NM_001291446.2); c.386-8_386-3del (NM_001291447.2).
Identifiers: ClinVar variation 2893075 (VCV002893075.3), dbSNP rs749074626, ClinGen allele CA7093778.